The following is an entry in ClinVar:

ClinVar aggregate classification (germline): Conflicting classifications of pathogenicity. Review status: criteria provided, conflicting classifications (1 of 4 stars). 3 submissions from 3 submitters: Uncertain significance (1); Likely benign (1). 1 of the submissions does not count toward it. Last evaluated 2025-12-15.

Conditions:
VCAN-related disorder. Also called: VCAN-related condition.

Allele frequency attached by ClinVar (database versions not stated): TOPMed 0.00022; 1000 Genomes Project 30x 0.00031.
gnomAD v4.1: 549 of 1,614,090 alleles (0.034%); highest among the groups gnomAD compares: Middle Eastern, 0.066%; 1 homozygote.

Submissions (3):

Labcorp Genetics (formerly Invitae), Labcorp
Classification: Uncertain significance. Last evaluated: 2025-12-15. Review status: criteria provided, single submitter. Criteria: Invitae Variant Classification Sherloc (09022015). Collection method: clinical testing. Allele origin: germline.
Comment: This sequence change replaces glutamine, which is neutral and polar, with histidine, which is basic and polar, at codon 2973 of the VCAN protein (p.Gln2973His). This variant is present in population databases (rs145612319, gnomAD 0.06%), and has an allele count higher than expected for a pathogenic variant. This variant has not been reported in the literature in individuals affected with VCAN-related conditions. ClinVar contains an entry for this variant (Variation ID: 956818). An algorithm developed to predict the effect of missense changes on protein structure and function (PolyPhen-2) suggests that this variant is likely to be disruptive. In summary, the available evidence is currently insufficient to determine the role of this variant in disease. Therefore, it has been classified as a Variant of Uncertain Significance.

Blueprint Genetics
Classification: Likely benign. Last evaluated: 2024-11-07. Review status: criteria provided, single submitter. Criteria: ACMG Guidelines, 2015. Collection method: clinical testing. Allele origin: germline.

PreventionGenetics, part of Exact Sciences
Classification: Uncertain significance for VCAN-related condition. Last evaluated: 2024-02-21. Review status: no assertion criteria provided. Collection method: clinical testing. Allele origin: germline. Not counted in ClinVar's aggregate classification.
Comment: The VCAN c.8919G>T variant is predicted to result in the amino acid substitution p.Gln2973His. To our knowledge, this variant has not been reported in the literature. This variant is reported in 0.059% of alleles in individuals of European (Non-Finnish) descent in gnomAD, which may be too common to be an undocumented cause of disease. Although we suspect that this variant may be benign, at this time, the clinical significance of this variant is uncertain due to the absence of conclusive functional and genetic evidence.

NM_004385.5(VCAN):c.8919G>T (p.Gln2973His)

Genes: VCAN (versican; plus strand), VCAN-AS1 (VCAN antisense RNA 1; minus strand). Cytogenetic location: 5q14.3.
Variant type: single nucleotide variant.
Coding change: c.8919G>T on transcript NM_004385.5 (MANE Select); coding-DNA position 8919, G replaced by T.
Protein change: p.Gln2973His; replaces glutamine 2973 with histidine.
Molecular consequence: missense variant. On other transcripts: intron variant (2).
Genome position (GRCh38, 1-based): chr5:83,541,922, G>T. VCF-style: chr5-83541922-G-T. GRCh37 (hg19) VCF-style: chr5-82837741-G-T.
Other names: c.5958G>T, p.Gln1986His (NM_001164097.2); c.4004-3615G>T (NM_001164098.2); c.1043-3615G>T (NM_001126336.3); short protein forms Q1986H, Q2973H.
Identifiers: ClinVar variation 956818 (VCV000956818.11), dbSNP rs145612319, ClinGen allele CA3333875.
Genomic context (GRCh38, chr5:83,541,922, plus strand): 5'-ACCTGAGGCTGGAACTGTTATTACAACTGCCGATGAAATTGAATTAGAAGGTGCTACACA[G>T]TGGCCACACTCTACTTCTGCTTCTGCCACCTATGGGGTCGAGGCAGGTGTGGTGCCTTGG-3'
Protein context (NP_004376.2, residues 2963-2983): ADEIELEGAT[Gln2973His]WPHSTSASAT